The following is an entry in ClinVar:

NM_198904.4(GABRG2):c.529C>T (p.Arg177Ter)

Gene: GABRG2 (gamma-aminobutyric acid type A receptor subunit gamma2; plus strand). Cytogenetic location: 5q34.
Variant type: single nucleotide variant.
Coding change: c.529C>T on transcript NM_198904.4 (MANE Select); coding-DNA position 529, C replaced by T.
Protein change: p.Arg177Ter; replaces arginine 177 with a stop codon.
Molecular consequence: nonsense.
Genome position (GRCh38, 1-based): chr5:162,097,839, C>T. VCF-style: chr5-162097839-C-T. GRCh37 (hg19) VCF-style: chr5-161524845-C-T.
Other names: c.529C>T, p.Arg177Ter (NM_000816.3, NM_001375340.1, NM_001375341.1 and 4 more transcripts); c.520C>T, p.Arg174Ter (NM_001375339.1); c.463C>T, p.Arg155Ter (NM_001375345.1, NM_001375346.1); c.442C>T, p.Arg148Ter (NM_001375347.1); c.109C>T, p.Arg37Ter (NM_001375348.1, NM_001375350.1); c.244C>T, p.Arg82Ter (NM_001375349.1); short protein forms R82*, R155*, R174*, R148*, R37*, R177*.
Identifiers: ClinVar variation 934755 (VCV000934755.10), dbSNP rs267606837, ClinGen allele CA362184434.

ClinVar aggregate classification (germline): Pathogenic/Likely pathogenic. Review status: criteria provided, multiple submitters, no conflicts (2 of 4 stars). 4 submissions from 4 submitters: Pathogenic (3); Likely pathogenic (1). Last evaluated 2025-05-02.

Conditions:
Developmental and epileptic encephalopathy, 74. Also called: EPILEPTIC ENCEPHALOPATHY, EARLY INFANTILE, 74. Identifiers: MONDO:0032725, OMIM 618396, MedGen C5193074.
GABRG2-related disorder. Also called: GABRG2-related condition.
Febrile seizures, familial, 8 (FEB8). Also called: CONVULSIONS, FAMILIAL FEBRILE, 8. Identifiers: Orphanet 36387, MedGen C1969810, MONDO:0011891, OMIM 607681.
EPILEPSY, CHILDHOOD ABSENCE, SUSCEPTIBILITY TO, 2 (ECA2). Identifiers: Orphanet 64280, MedGen C1843244, OMIM 607681.

Allele frequency attached by ClinVar (database versions not stated): gnomAD exomes below 0.00001.
gnomAD v4.1: 1 of 1,612,252 alleles (0.000062%); highest among the groups gnomAD compares: Non-Finnish European, 0.000085%; no homozygotes.

Submissions (4):

Labcorp Genetics (formerly Invitae), Labcorp
Classification: Pathogenic for Febrile seizures, familial, 8; EPILEPSY, CHILDHOOD ABSENCE, SUSCEPTIBILITY TO, 2. Last evaluated: 2025-05-02. Review status: criteria provided, single submitter. Criteria: Invitae Variant Classification Sherloc (09022015). Collection method: clinical testing. Allele origin: germline.
Comment: This sequence change creates a premature translational stop signal (p.Arg177*) in the GABRG2 gene. It is expected to result in an absent or disrupted protein product. Loss-of-function variants in GABRG2 are known to be pathogenic (PMID: 22539854, 22750526, 24407264). This variant is not present in population databases (gnomAD no frequency). This premature translational stop signal has been observed in individual(s) with clinical features of GABRG2-related conditions (PMID: 29778030). ClinVar contains an entry for this variant (Variation ID: 934755). Algorithms developed to predict the effect of sequence changes on RNA splicing suggest that this variant may disrupt the consensus splice site. For these reasons, this variant has been classified as Pathogenic.

GeneDx
Classification: Pathogenic. Last evaluated: 2024-11-17. Review status: criteria provided, single submitter. Criteria: GeneDx Variant Classification Process June 2021. Collection method: clinical testing. Allele origin: germline.
Comment: Reported as a predicted deleterious variant in a child with intractable epilepsy (PMID: 29778030); Nonsense variant predicted to result in protein truncation or nonsense mediated decay in a gene for which loss of function is a known mechanism of disease; Not observed at significant frequency in large population cohorts (gnomAD); This variant is associated with the following publications: (PMID: 24407264, 23720301, 22750526, 22539854, 35701389, 35627257, 29778030)

Laboratorio de Genetica e Diagnostico Molecular, Hospital Israelita Albert Einstein
Classification: Pathogenic for Developmental and epileptic encephalopathy, 74. Last evaluated: 2023-01-20. Review status: criteria provided, single submitter. Criteria: ACMG Guidelines, 2015. Collection method: clinical testing. Allele origin: germline. Affected: yes. Observed: 1 variant allele.
Comment: ACMG classification criteria: PVS1 very strong, PS4 supporting, PM2 moderated

Blueprint Genetics
Classification: Likely pathogenic for GABRG2-related disorders. Last evaluated: 2019-09-06. Review status: criteria provided, single submitter. Criteria: ACMG Guidelines, 2015. Collection method: clinical testing. Allele origin: germline. Affected: yes. Observed: 2 variant alleles.

Literature cited by the submitters: PubMed 22539854 (cited by Labcorp Genetics (formerly Invitae), Labcorp); PubMed 22750526 (cited by Labcorp Genetics (formerly Invitae), Labcorp); PubMed 24407264 (cited by Labcorp Genetics (formerly Invitae), Labcorp); PubMed 29778030 (cited by Labcorp Genetics (formerly Invitae), Labcorp).